The following is an entry in ClinVar:

NM_019594.4(LRRC8A):c.2323G>A (p.Glu775Lys)

Gene: LRRC8A (leucine rich repeat containing 8 VRAC subunit A; plus strand). Cytogenetic location: 9q34.11.
Variant type: single nucleotide variant.
Coding change: c.2323G>A on transcript NM_019594.4 (MANE Select); coding-DNA position 2323, G replaced by A.
Protein change: p.Glu775Lys; replaces glutamic acid 775 with lysine.
Molecular consequence: missense variant.
Genome position (GRCh38, 1-based): chr9:128,916,261, G>A. VCF-style: chr9-128916261-G-A. GRCh37 (hg19) VCF-style: chr9-131678540-G-A.
Other names: c.2323G>A (NM_019594.3, NM_001127244.1); c.2323G>A, p.Glu775Lys (NM_001127244.2, NM_001127245.2); short protein forms E775K.
Identifiers: ClinVar variation 1664695 (VCV001664695.12), dbSNP rs146661687, ClinGen allele CA5271071.

ClinVar aggregate classification (germline): Conflicting classifications of pathogenicity. Review status: criteria provided, conflicting classifications (1 of 4 stars). 4 submissions from 4 submitters: Uncertain significance (1); Likely benign (2). 1 of the submissions does not count toward it. Last evaluated 2026-01-23.

Conditions:
LRRC8A-related disorder. Also called: LRRC8A-related condition.

Allele frequency attached by ClinVar (database versions not stated): gnomAD exomes 0.00012 and 0.00017; ExAC 0.00014; gnomAD 0.00017 and 0.00018; TOPMed 0.00020; ESP Exome Variant Server 0.00046.
gnomAD v4.1: 204 of 1,613,704 alleles (0.013%); highest among the groups gnomAD compares: Middle Eastern, 0.017%; 1 homozygote.

Submissions (4):

Labcorp Genetics (formerly Invitae), Labcorp
Classification: Likely benign. Last evaluated: 2026-01-23. Review status: criteria provided, single submitter. Criteria: Invitae Variant Classification Sherloc (09022015). Collection method: clinical testing. Allele origin: germline.

Ambry Genetics
Classification: Uncertain significance. Last evaluated: 2022-03-29. Review status: criteria provided, single submitter. Criteria: Ambry Variant Classification Scheme 2023. Collection method: clinical testing. Allele origin: germline.

Breakthrough Genomics
Classification: Likely benign. Review status: criteria provided, single submitter. Criteria: ACMG Guidelines, 2015. Collection method: not provided. Allele origin: germline. Inheritance: Autosomal dominant inheritance. Affected: yes.

PreventionGenetics, part of Exact Sciences
Classification: Likely benign for LRRC8A-related condition. Last evaluated: 2022-05-17. Review status: no assertion criteria provided. Collection method: clinical testing. Allele origin: germline. Not counted in ClinVar's aggregate classification.
Comment: This variant is classified as likely benign based on ACMG/AMP sequence variant interpretation guidelines (Richards et al. 2015 PMID: 25741868, with internal and published modifications).